The following is an entry in ClinVar:

ClinVar aggregate classification (germline): Benign/Likely benign. Review status: criteria provided, multiple submitters, no conflicts (2 of 4 stars). 4 submissions from 4 submitters: Benign (3); Likely benign (1). Last evaluated 2026-01-27.

Conditions:
Idiopathic generalized epilepsy. Also called: EIG; Generalised epilepsy. Identifiers: MedGen C0270850, MONDO:0005579, OMIM 600669.
Hyperaldosteronism, familial, type IV (HALD4). Also called: FH IV; ALDOSTERONISM, PRIMARY, AND HYPERTENSION. Identifiers: Orphanet 642671, MedGen C4310756, MONDO:0014875, OMIM 617027.

Allele frequency attached by ClinVar (database versions not stated): 1000 Genomes Project 0.00559; 1000 Genomes Project 30x 0.00625.
gnomAD v4.1: 1,605 of 1,613,018 alleles (0.1%); highest among the groups gnomAD compares: African/African-American, 1.8%; 12 homozygotes.

Submissions (4):

Labcorp Genetics (formerly Invitae), Labcorp
Classification: Benign for Idiopathic generalized epilepsy; Hyperaldosteronism, familial, type IV. Last evaluated: 2026-01-27. Review status: criteria provided, single submitter. Criteria: Invitae Variant Classification Sherloc (09022015). Collection method: clinical testing. Allele origin: germline.

Mayo Clinic Laboratories, Mayo Clinic
Classification: Likely benign. Last evaluated: 2025-09-17. Review status: criteria provided, single submitter. Criteria: ACMG Guidelines, 2015. Collection method: clinical testing. Allele origin: germline. Observed: 2 variant alleles.
Comment: BS1, BP4, BP7

Athena Diagnostics
Classification: Benign. Last evaluated: 2018-04-11. Review status: criteria provided, single submitter. Criteria: Athena Diagnostics Criteria. Collection method: clinical testing. Allele origin: germline.

Breakthrough Genomics
Classification: Benign. Review status: criteria provided, single submitter. Criteria: ACMG Guidelines, 2015. Collection method: not provided. Allele origin: germline. Inheritance: Autosomal dominant inheritance. Affected: yes.

NM_021098.3(CACNA1H):c.2544C>A (p.Gly848=)

Gene: CACNA1H (calcium voltage-gated channel subunit alpha1 H; plus strand). Cytogenetic location: 16p13.3.
Variant type: single nucleotide variant.
Coding change: c.2544C>A on transcript NM_021098.3 (MANE Select); coding-DNA position 2544, C replaced by A.
Protein change: p.Gly848=; no amino-acid change (glycine 848 retained).
Molecular consequence: synonymous variant.
Genome position (GRCh38, 1-based): chr16:1,205,206, C>A. VCF-style: chr16-1205206-C-A. GRCh37 (hg19) VCF-style: chr16-1255206-C-A.
Other names: p.Gly848=; c.2544C>A, p.Gly848= (NM_001005407.2).
Identifiers: ClinVar variation 460065 (VCV000460065.14), dbSNP rs28365123, ClinGen allele CA7800329.